The following is an entry in ClinVar:

NM_004304.5(ALK):c.1235G>A (p.Arg412His)

Gene: ALK (ALK receptor tyrosine kinase; minus strand). Cytogenetic location: 2p23.2.
Variant type: single nucleotide variant.
Coding change: c.1235G>A on transcript NM_004304.5 (MANE Select); coding-DNA position 1235, G replaced by A.
Protein change: p.Arg412His; replaces arginine 412 with histidine.
Molecular consequence: missense variant.
Genome position (GRCh38, 1-based): chr2:29,383,779, C>T on the plus strand (G>A on the coding strand, the complement: ALK is on the minus strand). VCF-style: chr2-29383779-C-T. GRCh37 (hg19) VCF-style: chr2-29606645-C-T.
Other names: short protein forms R412H.
Identifiers: ClinVar variation 538229 (VCV000538229.17), dbSNP rs1388736375, ClinGen allele CA346585193.
Genomic context (GRCh38, chr2:29,383,779, plus strand): 5'-CAGATTCAGATACCTTCACTGCAGTTCTTCAGGGCAAAGAAGTCCACTGCAGACAAGCTG[C>T]GGTTTCCACTGGAGATGTATTCCAGGGCCACTCGAAATGGGTTGTCTGGACGCCCGATTC-3'
Protein context (NP_004295.2, residues 402-422): VALEYISSGN[Arg412His]SLSAVDFFAL

ClinVar aggregate classification (germline): Conflicting classifications of pathogenicity. Review status: criteria provided, conflicting classifications (1 of 4 stars). 5 submissions from 5 submitters: Uncertain significance (4); Likely benign (1). Last evaluated 2026-06-22.

Conditions:
Hereditary cancer-predisposing syndrome. Also called: Neoplastic Syndromes, Hereditary; Hereditary Cancer Syndrome; Tumor predisposition; Hereditary neoplastic syndrome. Identifiers: Orphanet 140162, MedGen C0027672, MeSH D009386, MONDO:0015356.
Neuroblastoma, susceptibility to, 3. Also called: ALK-Related Neuroblastic Tumor Susceptibility. Identifiers: Orphanet 635, MedGen C2751681, MONDO:0013083, OMIM 613014.

Allele frequency attached by ClinVar (database versions not stated): gnomAD 0.00006; gnomAD exomes 0.00003 and 0.00002; TOPMed 0.00003.
gnomAD v4.1: 44 of 1,614,012 alleles (0.0027%); highest among the groups gnomAD compares: African/African-American, 0.0053%; no homozygotes.

Submissions (5):

Women's Health and Genetics/Laboratory Corporation of America, LabCorp
Classification: Uncertain significance. Last evaluated: 2026-06-22. Review status: criteria provided, single submitter. Criteria: LabCorp Variant Classification Summary - May 2015. Collection method: clinical testing. Allele origin: germline.
Comment: Variant summary: ALK c.1235G>A (p.Arg412His) results in a non-conservative amino acid change in the encoded protein sequence. Algorithms developed to predict the effect of missense changes on protein structure and function are either unavailable or do not agree on the potential impact of this missense change. The variant allele was found at a frequency of 2e-05 in 251236 control chromosomes. The available data on variant occurrences in the general population are insufficient to allow any conclusion about variant significance. To our knowledge, no occurrence of c.1235G>A in individuals affected with ALK-related conditions and no experimental evidence demonstrating its impact on protein function have been reported. ClinVar contains an entry for this variant (Variation ID: 538229). Based on the evidence outlined above, the variant was classified as uncertain significance.

Labcorp Genetics (formerly Invitae), Labcorp
Classification: Uncertain significance for Neuroblastoma, susceptibility to, 3. Last evaluated: 2025-12-08. Review status: criteria provided, single submitter. Criteria: Invitae Variant Classification Sherloc (09022015). Collection method: clinical testing. Allele origin: germline.
Comment: This sequence change replaces arginine, which is basic and polar, with histidine, which is basic and polar, at codon 412 of the ALK protein (p.Arg412His). This variant is present in population databases (no rsID available, gnomAD 0.01%). This variant has not been reported in the literature in individuals affected with ALK-related conditions. ClinVar contains an entry for this variant (Variation ID: 538229). An algorithm developed to predict the effect of missense changes on protein structure and function (PolyPhen-2) suggests that this variant is likely to be disruptive. In summary, the available evidence is currently insufficient to determine the role of this variant in disease. Therefore, it has been classified as a Variant of Uncertain Significance.

Ambry Genetics
Classification: Likely benign for Hereditary cancer-predisposing syndrome. Last evaluated: 2025-01-07. Review status: criteria provided, single submitter. Criteria: Ambry Variant Classification Scheme 2023. Collection method: clinical testing. Allele origin: germline.

Baylor Genetics
Classification: Uncertain significance for Neuroblastoma, susceptibility to, 3. Last evaluated: 2023-11-10. Review status: criteria provided, single submitter. Criteria: ACMG Guidelines, 2015. Collection method: clinical testing. Allele origin: unknown.

GeneDx
Classification: Uncertain significance. Last evaluated: 2023-09-19. Review status: criteria provided, single submitter. Criteria: GeneDx Variant Classification Process June 2021. Collection method: clinical testing. Allele origin: germline.
Comment: In silico analysis supports that this missense variant does not alter protein structure/function; Has not been previously published as pathogenic or benign to our knowledge